The following is an entry in ClinVar:

ClinVar aggregate classification (germline): Likely benign (1 of 4 stars; one submission).

Allele frequency attached by ClinVar (database versions not stated): gnomAD exomes below 0.00001.
gnomAD v4.1: 1 of 1,612,708 alleles (0.000062%); highest among the groups gnomAD compares: African/African-American, 0.0013%; no homozygotes.

Submission:

CeGaT Center for Human Genetics Tuebingen
Classification: Likely benign. Last evaluated: 2024-02-01. Review status: criteria provided, single submitter. Criteria: CeGaT Center For Human Genetics Tuebingen Variant Classification Criteria Version 2. Collection method: clinical testing. Allele origin: germline. Affected: yes. Observed: 1 variant allele.
Comment: MED25: PM2:Supporting, BP4, BP7

NM_030973.4(MED25):c.1887C>T (p.Pro629=)

Gene: MED25 (mediator complex subunit 25; plus strand). Cytogenetic location: 19q13.33.
Variant type: single nucleotide variant.
Coding change: c.1887C>T on transcript NM_030973.4 (MANE Select); coding-DNA position 1887, C replaced by T.
Protein change: p.Pro629=; no amino-acid change (proline 629 retained).
Molecular consequence: synonymous variant.
Genome position (GRCh38, 1-based): chr19:49,835,867, C>T. VCF-style: chr19-49835867-C-T. GRCh37 (hg19) VCF-style: chr19-50339124-C-T.
Other names: c.1887C>T, p.Pro629= (NM_001378355.1).
Identifiers: ClinVar variation 3027281 (VCV003027281.22), dbSNP rs2514520907, ClinGen allele CA508295395.
Genomic context (GRCh38, chr19:49,835,867, plus strand): 5'-TACTGCCCAGCCCCCGCCAGGTGCCCCTCAAGGCCCTCCTGGAGCAGCTTCTGGCCCACC[C>T]CCTCCTGGACCCATCCTTCGGCCCCAGAACCCTGGGGCCAACCCTCAGCTGCGAAGCCTC-3'
Protein context (NP_112235.2, residues 619-639): QGPPGAASGP[Pro629=]PPGPILRPQN